The following is an entry in ClinVar:

ClinVar aggregate classification (germline): Likely benign (0 of 4 stars; one submission).

Conditions:
GNAS-related disorder. Identifiers: MedGen CN380105.

Submission:

PreventionGenetics, part of Exact Sciences
Classification: Likely benign for GNAS-related condition. Last evaluated: 2024-03-27. Review status: no assertion criteria provided. Collection method: clinical testing. Allele origin: germline.
Comment: This variant is classified as likely benign based on ACMG/AMP sequence variant interpretation guidelines (Richards et al. 2015 PMID: 25741868, with internal and published modifications).

NM_080425.4(GNAS):c.2069-3905CCG[10]

Gene: GNAS (GNAS complex locus; plus strand). Cytogenetic location: 20q13.32.
Variant type: Microsatellite.
Coding change: c.2069-3905CCG[10] on transcript NM_080425.4 (MANE Plus Clinical); ten copies in a row of the 3-base unit CCG starting at c.2069-3905.
Molecular consequence: intron variant.
Genome position: GRCh38 VCF-style: chr20-58891706-C-CCCGCCGCCGCCG. GRCh37 (hg19) VCF-style: chr20-57466761-C-CCCGCCGCCGCCG.
Other names: c.*43-3905CCG[10] (NM_016592.5); c.44-3905CCG[10] (NM_001410912.1); c.-38-3905CCG[10] (NM_001309861.2); c.*1-3905CCG[10] (NM_001077490.3); c.2069-3905CCG[10] (NM_001410913.1); c.*159-3905CCG[10] (NM_001309883.1); c.-39+2354CCG[10] (NM_001438273.1, NM_001309840.2); c.-39+2375CCG[10] (NM_001439291.1, NM_001438274.1).
Identifiers: ClinVar variation 3357899 (VCV003357899.1).
Genomic context (GRCh38, chr20:58,891,706, plus strand): 5'-CCGGCCCTCCCGGCCCGCGTGAGGCCGCCCGCGCCCGCCGCCGCCGCAGCCCGGCCGCGC[C>CCCGCCGCCGCCG]CCGCCGCCGCCGCCGCCGCCATGGGCTGCCTCGGGAACAGTAAGACCGAGGACCAGCGCA-3'